The following is an entry in ClinVar:

NM_001130987.2(DYSF):c.126C>T (p.Ser42=)

Gene: DYSF (dysferlin; plus strand). Cytogenetic location: 2p13.2.
Variant type: single nucleotide variant.
Coding change: c.126C>T on transcript NM_001130987.2 (MANE Select); coding-DNA position 126, C replaced by T.
Protein change: p.Ser42=; no amino-acid change (serine 42 retained).
Molecular consequence: synonymous variant.
Genome position (GRCh38, 1-based): chr2:71,480,917, C>T. VCF-style: chr2-71480917-C-T. GRCh37 (hg19) VCF-style: chr2-71708047-C-T.
Other names: p.Ser41=; c.126C>T, p.Ser42= (NM_001130455.2, NM_001130982.2, NM_001130983.2 and 3 more transcripts); c.123C>T, p.Ser41= (NM_001130976.2, NM_001130977.2, NM_001130978.2 and 4 more transcripts).
Identifiers: ClinVar variation 730957 (VCV000730957.13), dbSNP rs369755508, ClinGen allele CA1705228.

ClinVar aggregate classification (germline): Likely benign. Review status: criteria provided, multiple submitters, no conflicts (2 of 4 stars). 3 submissions from 3 submitters: Likely benign (2). 1 of the submissions does not count toward it. Last evaluated 2026-01-20.

Conditions:
Neuromuscular disease caused by qualitative or quantitative defects of dysferlin. Also called: Qualitative or quantitative defects of dysferlin; Dysferlinopathy. Identifiers: Orphanet 207073, MedGen C2931687, MONDO:0016145.
Autosomal recessive limb-girdle muscular dystrophy type 2B (LGMDR2). Also called: Limb-girdle muscular dystrophy, type 2B; Limb-Girdle Muscular Dystrophy Type 2B (LGMD2B); MUSCULAR DYSTROPHY, LIMB-GIRDLE, TYPE 3; MUSCULAR DYSTROPHY, LIMB-GIRDLE, AUTOSOMAL RECESSIVE 2. Identifiers: Orphanet 268, MedGen C1850889, MONDO:0009676, OMIM 253601.

Allele frequency attached by ClinVar (database versions not stated): TOPMed 0.00002; gnomAD 0.00003; ESP Exome Variant Server 0.00008.

Submissions (3):

Labcorp Genetics (formerly Invitae), Labcorp
Classification: Likely benign for Neuromuscular disease caused by qualitative or quantitative defects of dysferlin. Last evaluated: 2026-01-20. Review status: criteria provided, single submitter. Criteria: Invitae Variant Classification Sherloc (09022015). Collection method: clinical testing. Allele origin: germline.

Mayo Clinic Laboratories, Mayo Clinic
Classification: Likely benign. Last evaluated: 2024-12-27. Review status: criteria provided, single submitter. Criteria: ACMG Guidelines, 2015. Collection method: clinical testing. Allele origin: germline. Observed: 1 variant allele.
Comment: BP4, BP7

Natera, Inc.
Classification: Likely benign for Limb-girdle muscular dystrophy type 2B. Last evaluated: 2021-06-04. Review status: no assertion criteria provided. Collection method: clinical testing. Allele origin: germline. Not counted in ClinVar's aggregate classification.